The following is an entry in ClinVar:

ClinVar aggregate classification (germline): Uncertain significance (1 of 4 stars; one submission).

gnomAD v4.1: 2 of 1,612,994 alleles (0.00012%); highest among the groups gnomAD compares: African/African-American, 0.0027%; no homozygotes.

Submission:

GeneDx
Classification: Uncertain significance. Last evaluated: 2025-03-02. Review status: criteria provided, single submitter. Criteria: GeneDx Variant Classification Process June 2021. Collection method: clinical testing. Allele origin: germline. Affected: yes.
Comment: Not observed at significant frequency in large population cohorts (gnomAD); In silico analysis supports that this missense variant has a deleterious effect on protein structure/function; Has not been previously published as pathogenic or benign to our knowledge

NM_000213.5(ITGB4):c.566A>C (p.Lys189Thr)

Gene: ITGB4 (integrin subunit beta 4; plus strand). Cytogenetic location: 17q25.1.
Variant type: single nucleotide variant.
Coding change: c.566A>C on transcript NM_000213.5 (MANE Select); coding-DNA position 566, A replaced by C.
Protein change: p.Lys189Thr; replaces lysine 189 with threonine.
Molecular consequence: missense variant.
Genome position (GRCh38, 1-based): chr17:75,728,473, A>C. VCF-style: chr17-75728473-A-C. GRCh37 (hg19) VCF-style: chr17-73724554-A-C.
Other names: c.566A>C, p.Lys189Thr (NM_001005619.2, NM_001005731.3, NM_001321123.2 and 1 more transcripts); short protein forms K189T.
Identifiers: ClinVar variation 4082605 (VCV004082605.1).
Genomic context (GRCh38, chr17:75,728,473, plus strand): 5'-TTGGATTTGGCAAGTTTGTGGACAAAGTCAGCGTCCCGCAGACGGACATGAGGCCTGAGA[A>C]GTAAGTGACTGTGTGGGTCCCGCAGGTGGGCAAGGGTCCAGGCCATGTGACCCCCACTCC-3'
Protein context (NP_000204.3, residues 179-199): SVPQTDMRPE[Lys189Thr]LKEPWPNSDP